The following is an entry in ClinVar:

NM_018398.3(CACNA2D3):c.611A>G (p.Asp204Gly)

Gene: CACNA2D3 (calcium voltage-gated channel auxiliary subunit alpha2delta 3; plus strand). Cytogenetic location: 3p14.3.
Variant type: single nucleotide variant.
Coding change: c.611A>G on transcript NM_018398.3 (MANE Select); coding-DNA position 611, A replaced by G.
Protein change: p.Asp204Gly; replaces aspartic acid 204 with glycine.
Molecular consequence: missense variant.
Genome position (GRCh38, 1-based): chr3:54,562,866, A>G. VCF-style: chr3-54562866-A-G. GRCh37 (hg19) VCF-style: chr3-54596893-A-G.
Other names: short protein forms D204G.
Identifiers: ClinVar variation 4993205 (VCV004993205.1).

ClinVar aggregate classification (germline): Uncertain significance (1 of 4 stars; one submission).

Conditions:
CACNA2D3-related disorder. Also called: CACNA2D3-related condition.

Submission:

PreventionGenetics, part of Exact Sciences
Classification: Uncertain significance for CACNA2D3-related condition. Last evaluated: 2025-12-29. Review status: criteria provided, single submitter. Criteria: ACMG Guidelines, 2015. Collection method: clinical testing. Allele origin: germline.
Comment: The CACNA2D3 c.611A>G variant is predicted to result in the amino acid substitution p.Asp204Gly. To our knowledge, this variant has not been reported in the literature or in a large population database (gnomAD), indicating this variant is rare. At this time, the clinical significance of this variant is uncertain due to the absence of conclusive functional and genetic evidence.